The following is an entry in ClinVar:

ClinVar aggregate classification (germline): Uncertain significance (1 of 4 stars; one submission).

Conditions:
Hereditary cancer-predisposing syndrome. Also called: Neoplastic Syndromes, Hereditary; Tumor predisposition; Hereditary neoplastic syndrome; Hereditary Cancer Syndrome. Identifiers: Orphanet 140162, MedGen C0027672, MeSH D009386, MONDO:0015356.

Submission:

Ambry Genetics
Classification: Uncertain significance for Hereditary cancer-predisposing syndrome. Last evaluated: 2023-01-02. Review status: criteria provided, single submitter. Criteria: Ambry Variant Classification Scheme 2023. Collection method: clinical testing. Allele origin: germline.
Comment: The p.K628T variant (also known as c.1883A>C), located in coding exon 12 of the RAD50 gene, results from an A to C substitution at nucleotide position 1883. The lysine at codon 628 is replaced by threonine, an amino acid with similar properties. This amino acid position is conserved. In addition, this alteration is predicted to be tolerated by in silico analysis. Since supporting evidence is limited at this time, the clinical significance of this alteration remains unclear.

NM_005732.4(RAD50):c.1883A>C (p.Lys628Thr)

Gene: RAD50 (RAD50 double strand break repair protein; plus strand). Cytogenetic location: 5q31.1.
Variant type: single nucleotide variant.
Coding change: c.1883A>C on transcript NM_005732.4 (MANE Select); coding-DNA position 1883, A replaced by C.
Protein change: p.Lys628Thr; replaces lysine 628 with threonine.
Molecular consequence: missense variant.
Genome position (GRCh38, 1-based): chr5:132,594,958, A>C. VCF-style: chr5-132594958-A-C. GRCh37 (hg19) VCF-style: chr5-131930650-A-C.
Other names: short protein forms K628T.
Identifiers: ClinVar variation 2451418 (VCV002451418.2), dbSNP rs2479649943, ClinGen allele CA360947971.